The following is an entry in ClinVar:

ClinVar aggregate classification (germline): Uncertain significance. Review status: criteria provided, multiple submitters, no conflicts (2 of 4 stars). 3 submissions from 3 submitters: Uncertain significance (3). Last evaluated 2026-05-11.

Conditions:
Inborn genetic diseases. Identifiers: MedGen C0950123, MeSH D030342.

Allele frequency attached by ClinVar (database versions not stated): ExAC 0.00006; gnomAD 0.00011; ESP Exome Variant Server 0.00015; TOPMed 0.00013; gnomAD exomes 0.00006.
gnomAD v4.1: 127 of 1,613,992 alleles (0.0079%); highest among the groups gnomAD compares: African/African-American, 0.023%; no homozygotes.

Submissions (3):

Women's Health and Genetics/Laboratory Corporation of America, LabCorp
Classification: Uncertain significance. Last evaluated: 2026-05-11. Review status: criteria provided, single submitter. Criteria: LabCorp Variant Classification Summary - May 2015. Collection method: clinical testing. Allele origin: germline.
Comment: Variant summary: DSE c.68A>G (p.Tyr23Cys) results in a non-conservative amino acid change in the encoded protein sequence. Algorithms developed to predict the effect of missense changes on protein structure and function are either unavailable or do not agree on the potential impact of this missense change. The variant allele was found at a frequency of 6.4e-05 in 251412 control chromosomes. This frequency is not significantly higher than estimated for disease-causing variants in DSE, allowing no conclusion about variant significance. To our knowledge, no occurrence of c.68A>G in individuals affected with DSE-related conditions and no experimental evidence demonstrating its impact on protein function have been reported. ClinVar contains an entry for this variant (Variation ID: 1215729). Based on the evidence outlined above, the variant was classified as uncertain significance.

Ambry Genetics
Classification: Uncertain significance for Inborn genetic diseases. Last evaluated: 2024-03-15. Review status: criteria provided, single submitter. Criteria: Ambry Variant Classification Scheme 2023. Collection method: clinical testing. Allele origin: germline.

GeneDx
Classification: Uncertain significance. Last evaluated: 2019-08-27. Review status: criteria provided, single submitter. Criteria: GeneDx Variant Classification Process June 2021. Collection method: clinical testing. Allele origin: germline. Affected: yes.
Comment: In silico analysis, which includes protein predictors and evolutionary conservation, supports that this variant does not alter protein structure/function; Has not been previously published as pathogenic or benign to our knowledge

NM_013352.4(DSE):c.68A>G (p.Tyr23Cys)

Gene: DSE (dermatan sulfate epimerase; plus strand). Cytogenetic location: 6q22.1.
Variant type: single nucleotide variant.
Coding change: c.68A>G on transcript NM_013352.4 (MANE Select); coding-DNA position 68, A replaced by G.
Protein change: p.Tyr23Cys; replaces tyrosine 23 with cysteine.
Molecular consequence: missense variant. On other transcripts: 5 prime UTR variant (4), non-coding transcript variant (1).
Genome position (GRCh38, 1-based): chr6:116,399,318, A>G. VCF-style: chr6-116399318-A-G. GRCh37 (hg19) VCF-style: chr6-116720481-A-G.
Other names: c.68A>G, p.Tyr23Cys (NM_001080976.3, NM_001322937.2, NM_001322938.2 and 3 more transcripts); c.125A>G, p.Tyr42Cys (NM_001322939.2); c.-490A>G (NM_001322940.2, NM_001322941.2); c.-833A>G (NM_001374520.1); c.-520A>G (NM_001374521.1); short protein forms Y23C, Y42C.
Identifiers: ClinVar variation 1215729 (VCV001215729.7), dbSNP rs140339574, ClinGen allele CA3969448.